The following is an entry in ClinVar:

NM_178009.5(DGKH):c.623-17_623-3dup

Gene: DGKH (diacylglycerol kinase eta; plus strand). Cytogenetic location: 13q14.11.
Variant type: Duplication.
Coding change: c.623-17_623-3dup on transcript NM_178009.5 (MANE Select); 17 bases into the intron before coding-DNA position 623 through 3 bases into the intron before coding-DNA position 623, 15 bases duplicated (TTTTTTTTTTTTTTT).
Molecular consequence: intron variant.
Genome position (GRCh38, 1-based): chr13:42,159,249-42,159,263, TTTTTTTTTTTTTTT duplicated; duplicating any 15 consecutive bases within chr13:42,159,245-42,159,263 gives the same sequence; the c. name uses the placement nearest the transcript's 3' end. VCF-style (leftmost placement, unchanged base first): chr13-42159244-C-CTTTTTTTTTTTTTTT. GRCh37 (hg19) VCF-style: chr13-42733380-C-CTTTTTTTTTTTTTTT.
Other names: c.623-17_623-3dup (NM_001204504.3, NM_152910.6); c.215-17_215-3dup (NM_001204505.3, NM_001204506.3); c.120+3450_120+3464dup (NM_001297429.2).
Identifiers: ClinVar variation 2643782 (VCV002643782.24), dbSNP rs57531279, ClinGen allele CA955365186.
Genomic context (GRCh38, chr13:42,159,244, plus strand): 5'-ATGCTGTGATTTCCTTTAATCATTGGTCCAAAATTTCTTGTCCACTTAAAAGCAGTTGCT[C>CTTTTTTTTTTTTTTT]TTTTTTTTTTTTTTTTTTTAGTGTGTAAATTCAAGGCTCACAAAAGATGTGCAGTGAGAG-3'

ClinVar aggregate classification (germline): Likely benign (1 of 4 stars; one submission).

Submission:

CeGaT Center for Human Genetics Tuebingen
Classification: Likely benign. Last evaluated: 2023-01-01. Review status: criteria provided, single submitter. Criteria: CeGaT Center For Human Genetics Tuebingen Variant Classification Criteria Version 2. Collection method: clinical testing. Allele origin: germline. Affected: yes. Observed: 1 variant allele.
Comment: DGKH: BS2